The following is an entry in ClinVar:

ClinVar aggregate classification (germline): Uncertain significance (1 of 4 stars; one submission).

Conditions:
Epilepsy, childhood absence, susceptibility to, 1. Also called: Epilepsy, childhood absence 1. Identifiers: Orphanet 64280, MedGen C1838604, MONDO:0020759, OMIM 600131.
Epilepsy, childhood absence, susceptibility to, 5. Identifiers: Orphanet 64280, MedGen C2677087, MONDO:0012843, OMIM 612269.

Submission:

Labcorp Genetics (formerly Invitae), Labcorp
Classification: Uncertain significance for Epilepsy, childhood absence, susceptibility to, 5; Epilepsy, childhood absence, susceptibility to, 1. Last evaluated: 2023-08-16. Review status: criteria provided, single submitter. Criteria: Invitae Variant Classification Sherloc (09022015). Collection method: clinical testing. Allele origin: germline.
Comment: Advanced modeling of protein sequence and biophysical properties (such as structural, functional, and spatial information, amino acid conservation, physicochemical variation, residue mobility, and thermodynamic stability) has been performed at Invitae for this missense variant, however the output from this modeling did not meet the statistical confidence thresholds required to predict the impact of this variant on GABRB3 protein function. In summary, the available evidence is currently insufficient to determine the role of this variant in disease. Therefore, it has been classified as a Variant of Uncertain Significance. This variant disrupts the p.Lys299 amino acid residue in GABRB3. Other variant(s) that disrupt this residue have been determined to be pathogenic (PMID: 34120799; Invitae). This suggests that this residue is clinically significant, and that variants that disrupt this residue are likely to be disease-causing. This variant has not been reported in the literature in individuals affected with GABRB3-related conditions. This variant is not present in population databases (gnomAD no frequency). This sequence change replaces lysine, which is basic and polar, with arginine, which is basic and polar, at codon 299 of the GABRB3 protein (p.Lys299Arg).

Literature cited by the submitters: PubMed 34120799.

NM_000814.6(GABRB3):c.896A>G (p.Lys299Arg)

Gene: GABRB3 (gamma-aminobutyric acid type A receptor subunit beta3; minus strand). Cytogenetic location: 15q12.
Variant type: single nucleotide variant.
Coding change: c.896A>G on transcript NM_000814.6 (MANE Select); coding-DNA position 896, A replaced by G.
Protein change: p.Lys299Arg; replaces lysine 299 with arginine.
Molecular consequence: missense variant.
Genome position (GRCh38, 1-based): chr15:26,561,116, T>C on the plus strand (A>G on the coding strand, the complement: GABRB3 is on the minus strand). VCF-style: chr15-26561116-T-C. GRCh37 (hg19) VCF-style: chr15-26806263-T-C.
Other names: c.683A>G, p.Lys228Arg (NM_001191321.3); c.641A>G, p.Lys214Arg (NM_001278631.2, NM_001191320.2); c.896A>G, p.Lys299Arg (NM_021912.5); short protein forms K214R, K299R, K228R.
Identifiers: ClinVar variation 2951017 (VCV002951017.3), dbSNP rs2504153727, ClinGen allele CA391462189.
Genomic context (GRCh38, chr15:26,561,116, plus strand): 5'-AGGAACACAAAGACGAAGCAGCCCATAAGGTACATGTCAATGGCTTTGACATAGGGGATT[T>C]TGGGCAAGGTCTCCCGAAGGTGGGTGTTGATGGTTGTCATTGTCAGCACAGTTGTGATCC-3'
Protein context (NP_000805.1, residues 289-309): INTHLRETLP[Lys299Arg]IPYVKAIDMY